The following is an entry in ClinVar:

ClinVar aggregate classification (germline): Pathogenic (1 of 4 stars; one submission).

Conditions:
Primary ciliary dyskinesia. Also called: Ciliary dyskinesia. Identifiers: Orphanet 244, MedGen C0008780, MONDO:0016575, HP:0012265.

Submission:

Labcorp Genetics (formerly Invitae), Labcorp
Classification: Pathogenic for Primary ciliary dyskinesia. Last evaluated: 2025-12-09. Review status: criteria provided, single submitter. Criteria: Invitae Variant Classification Sherloc (09022015). Collection method: clinical testing. Allele origin: germline.
Comment: This sequence change creates a premature translational stop signal (p.Ala45Glyfs*31) in the DNAAF3 gene. It is expected to result in an absent or disrupted protein product. Loss-of-function variants in DNAAF3 are known to be pathogenic (PMID: 22387996). This variant is not present in population databases (gnomAD no frequency). This variant has not been reported in the literature in individuals affected with DNAAF3-related conditions. ClinVar contains an entry for this variant (Variation ID: 3633013). For these reasons, this variant has been classified as Pathogenic.

Literature cited by the submitters: PubMed 22387996.

NM_001256715.2(DNAAF3):c.-5+7dup

Genes: DNAAF3 (dynein axonemal assembly factor 3; minus strand), DNAAF3-AS1 (DNAAF3 antisense RNA 1; plus strand). Cytogenetic location: 19q13.42.
Variant type: Duplication.
Coding change: c.-5+7dup on transcript NM_001256715.2 (MANE Select); 7 bases into the intron after 5 bases upstream of the start codon, one base duplicated (G; older notation c.-5+7dupG).
Molecular consequence: intron variant. On other transcripts: frameshift variant (2), 5 prime UTR variant (1).
Genome position (GRCh38, 1-based): chr19:55,166,516, C duplicated on the plus strand (G on the coding strand, the reverse complement: DNAAF3 is on the minus strand); the first of 3 consecutive C bases (chr19:55,166,516-55,166,518); duplicating any one gives the same sequence. VCF-style (leftmost placement, unchanged base first): chr19-55166515-G-GC. GRCh37 (hg19) VCF-style: chr19-55677883-G-GC.
Other names: c.133dup, p.Ala45fs (NM_001256714.1, NM_178837.4); c.-247dup (NM_001256716.2); short protein forms A45fs.
Identifiers: ClinVar variation 3633013 (VCV003633013.2).